The following is an entry in ClinVar:

NM_000520.6(HEXA):c.346+1G>C

Gene: HEXA (hexosaminidase subunit alpha; minus strand). Cytogenetic location: 15q23.
Variant type: single nucleotide variant.
Coding change: c.346+1G>C on transcript NM_000520.6 (MANE Select); the canonical splice donor site of the intron after coding-DNA position 346, G replaced by C.
Molecular consequence: splice donor variant.
Genome position (GRCh38, 1-based): chr15:72,356,524, C>G on the plus strand (G>C on the coding strand, the complement: HEXA is on the minus strand). VCF-style: chr15-72356524-C-G. GRCh37 (hg19) VCF-style: chr15-72648865-C-G.
Other names: IVS2, G-C, +1; c.379+1G>C (NM_001318825.2); c.346+1G>C (NM_000520.5).
Identifiers: ClinVar variation 3893 (VCV000003893.182), dbSNP rs797044432, ClinGen allele CA252907.
Genomic context (GRCh38, chr15:72,356,524, plus strand): 5'-CAGAGTTACAGCTTCAGACAAGTGTTTGCTCTTCTAAGACAGGGAACAGGATGGTACTTA[C>G]AATTCTCCACTGACTCCAAAGTAGGAAGCTGGTTACATCCAGGTGTGACTACAGAGACAA-3'

ClinVar aggregate classification (germline): Pathogenic/Likely pathogenic. Review status: criteria provided, multiple submitters, no conflicts (2 of 4 stars). 6 submissions from 6 submitters: Pathogenic (3); Likely pathogenic (1). 2 of the submissions do not count toward it. Last evaluated 2025-12-17.

Conditions:
Tay-Sachs disease (TSD). Also called: HEXA DEFICIENCY; Hexosaminidase A Deficiency; HEXA Disorders; GM2 gangliosidosis, type 1; Hexosaminidase alpha-subunit deficiency (variant B); Sphingolipidosis, Tay-Sachs. Identifiers: Orphanet 845, MedGen C0039373, MONDO:0010100, OMIM 272800.

Allele frequency attached by ClinVar (database versions not stated): TOPMed below 0.00001; gnomAD 0.00001.
gnomAD v4.1: 2 of 1,613,906 alleles (0.00012%); highest among the groups gnomAD compares: African/African-American, 0.0013%; no homozygotes.

Submissions (6):

Myriad Genetics, Inc.
Classification: Pathogenic for Tay-Sachs disease. Last evaluated: 2025-12-17. Review status: criteria provided, single submitter. Criteria: Myriad Autosomal Dominant, Autosomal Recessive and X-Linked Classification Criteria (2023). Collection method: clinical testing. Allele origin: unknown.
Comment: NM_000520.4(HEXA):c.346+1G>C is a variant in a canonical splice site classified as pathogenic in the context of hexosaminidase A deficiency. c.346+1G>C has been observed in a case with relevant disease (PMID: 1833974). Relevant functional assessments of this variant are not available in the literature. c.346+1G>C has not been observed in referenced population frequency databases. In summary, NM_000520.4(HEXA):c.346+1G>C is a variant in a canonical splice site in a gene where loss of function is a known mechanism of disease, is predicted to disrupt protein function, and has been observed more frequently in cases with the relevant disease than in healthy populations. Please note: this variant was assessed in the context of healthy population screening.

Natera, Inc.
Classification: Likely pathogenic for Tay-Sachs disease. Last evaluated: 2024-07-16. Review status: criteria provided, single submitter. Criteria: Natera Variant Classification Schema (03/2026). Collection method: clinical testing. Allele origin: germline.
Comment: The c.346+1G>C variant in HEXA is a canonical splice donor site variant predicted to affect pre-mRNA splicing, which may result in an abnormal transcript and altered protein product. This variant may result in a truncated or dysfunctional protein product. This variant is rare in the general population with a frequency below the threshold expected for the associated phenotype(s). This variant has been observed in one or more individuals affected with the associated recessive disease, as either homozygous or compound heterozygous with a second variant (PMID: 36194207). This variant has been identified in one or more affected individuals with a phenotype highly consistent with the associated gene (PMID: 36194207). Given the available evidence, this variant is classified as Likely Pathogenic.

Labcorp Genetics (formerly Invitae), Labcorp
Classification: Pathogenic for Tay-Sachs disease. Last evaluated: 2023-11-21. Review status: criteria provided, single submitter. Criteria: Invitae Variant Classification Sherloc (09022015). Collection method: clinical testing. Allele origin: germline.
Comment: This sequence change affects a donor splice site in intron 2 of the HEXA gene. It is expected to disrupt RNA splicing. Variants that disrupt the donor or acceptor splice site typically lead to a loss of protein function (PMID: 16199547), and loss-of-function variants in HEXA are known to be pathogenic (PMID: 1833974, 8490625). This variant is not present in population databases (gnomAD no frequency). Disruption of this splice site has been observed in individual(s) with clinical features of hexosaminidase A deficiency (PMID: 1833974, 1837283, 34554397). ClinVar contains an entry for this variant (Variation ID: 3893). Algorithms developed to predict the effect of sequence changes on RNA splicing suggest that this variant may disrupt the consensus splice site. For these reasons, this variant has been classified as Pathogenic.

Women's Health and Genetics/Laboratory Corporation of America, LabCorp
Classification: Pathogenic for Tay-Sachs disease. Last evaluated: 2016-06-09. Review status: criteria provided, single submitter. Criteria: LabCorp Variant Classification Summary - May 2015. Collection method: clinical testing. Allele origin: germline.
Comment: Variant summary: The HEXA c.346+1G>C variant involves the alteration of a conserved intronic nucleotide with 5/5 splice prediction tools predicting a significant impact on splicing. The variant of interest was not observed in controls (ExAC, 1000 Gs or ESP), but has been reported in an affected individual with infantile Tay-Sachs disease, along with a reputable database citing the variant as "pathogenic." Therefore, the variant of interest is classified as Pathogenic.

Counsyl
Classification: Likely pathogenic for Tay-Sachs disease. Last evaluated: 2016-05-17. Review status: no assertion criteria provided. Collection method: clinical testing. Allele origin: unknown. Not counted in ClinVar's aggregate classification.

OMIM
Classification: Pathogenic for TAY-SACHS DISEASE. Last evaluated: 1991-11-01. Review status: no assertion criteria provided. Collection method: literature only. Allele origin: germline. Not counted in ClinVar's aggregate classification.

Literature cited by the submitters: PubMed 1833974 (cited by 5 submitters); PubMed 36194207 (cited by Natera, Inc.); PubMed 16199547 (cited by Labcorp Genetics (formerly Invitae), Labcorp); PubMed 8490625 (cited by Labcorp Genetics (formerly Invitae), Labcorp); PubMed 1837283 (cited by Labcorp Genetics (formerly Invitae), Labcorp); PubMed 34554397 (cited by Labcorp Genetics (formerly Invitae), Labcorp).